The following is an entry in ClinVar:

NM_177438.3(DICER1):c.4289G>C (p.Arg1430Thr)

Gene: DICER1 (dicer 1, ribonuclease III; minus strand). Cytogenetic location: 14q32.13.
Variant type: single nucleotide variant.
Coding change: c.4289G>C on transcript NM_177438.3 (MANE Select); coding-DNA position 4289, G replaced by C.
Protein change: p.Arg1430Thr; replaces arginine 1430 with threonine.
Molecular consequence: missense variant.
Genome position (GRCh38, 1-based): chr14:95,096,631, C>G on the plus strand (G>C on the coding strand, the complement: DICER1 is on the minus strand). VCF-style: chr14-95096631-C-G. GRCh37 (hg19) VCF-style: chr14-95562968-C-G.
Other names: c.4289G>C (NM_177438.2); c.4289G>C, p.Arg1430Thr (NM_001195573.1, NM_001271282.3, NM_001291628.2 and 1 more transcripts); short protein forms R1430T.
Identifiers: ClinVar variation 1058040 (VCV001058040.11), dbSNP rs1890372350, ClinGen allele CA390869512.
Genomic context (GRCh38, chr14:95,096,631, plus strand): 5'-ATATGTTCCTGATCATACTCCAGGAAATCATCTTCATAGTCAGCCTCTTCCTTCGGAGCC[C>G]TCCACATCAGGCTCTCCTCCTCCTCATCCTCCTCCTCGTAATCCTCATCCAGTTTGCCAT-3'
Protein context (NP_803187.1, residues 1420-1440): EDEEEESLMW[Arg1430Thr]APKEEADYED

ClinVar aggregate classification (germline): Uncertain significance. Review status: criteria provided, multiple submitters, no conflicts (2 of 4 stars). 2 submissions from 2 submitters: Uncertain significance (2). Last evaluated 2024-07-26.

Conditions:
Hereditary cancer-predisposing syndrome. Also called: Tumor predisposition; Neoplastic Syndromes, Hereditary; Hereditary Cancer Syndrome; Hereditary neoplastic syndrome. Identifiers: Orphanet 140162, MedGen C0027672, MeSH D009386, MONDO:0015356.
DICER1-related tumor predisposition. Also called: DICER1 syndrome; DICER1-related pleuropulmonary blastoma cancer predisposition syndrome. Identifiers: Orphanet 284343, MedGen C3839822, MONDO:0100216.

Submissions (2):

Ambry Genetics
Classification: Uncertain significance for Hereditary cancer-predisposing syndrome. Last evaluated: 2024-07-26. Review status: criteria provided, single submitter. Criteria: Ambry Variant Classification Scheme 2023. Collection method: clinical testing. Allele origin: germline.
Comment: The p.R1430T variant (also known as c.4289G>C), located in coding exon 22 of the DICER1 gene, results from a G to C substitution at nucleotide position 4289. The arginine at codon 1430 is replaced by threonine, an amino acid with similar properties. This amino acid position is conserved. In addition, this alteration is predicted to be tolerated by in silico analysis. Based on the available evidence, the clinical significance of this variant remains unclear.

Labcorp Genetics (formerly Invitae), Labcorp
Classification: Uncertain significance for DICER1-related tumor predisposition. Last evaluated: 2020-09-08. Review status: criteria provided, single submitter. Criteria: Invitae Variant Classification Sherloc (09022015). Collection method: clinical testing. Allele origin: germline.
Comment: This variant is not present in population databases (ExAC no frequency). This sequence change replaces arginine with threonine at codon 1430 of the DICER1 protein (p.Arg1430Thr). The arginine residue is moderately conserved and there is a moderate physicochemical difference between arginine and threonine. This variant has not been reported in the literature in individuals with DICER1-related conditions. Algorithms developed to predict the effect of missense changes on protein structure and function (SIFT, PolyPhen-2, Align-GVGD) all suggest that this variant is likely to be tolerated, but these predictions have not been confirmed by published functional studies and their clinical significance is uncertain. In summary, the available evidence is currently insufficient to determine the role of this variant in disease. Therefore, it has been classified as a Variant of Uncertain Significance.